The following is an entry in ClinVar:

NM_000179.3(MSH6):c.3826G>A (p.Glu1276Lys)

Gene: MSH6 (mutS homolog 6; plus strand). Cytogenetic location: 2p16.3.
Variant type: single nucleotide variant.
Coding change: c.3826G>A on transcript NM_000179.3 (MANE Select); coding-DNA position 3826, G replaced by A.
Protein change: p.Glu1276Lys; replaces glutamic acid 1276 with lysine.
Molecular consequence: missense variant. On other transcripts: synonymous variant (1).
Genome position (GRCh38, 1-based): chr2:47,806,476, G>A. VCF-style: chr2-47806476-G-A. GRCh37 (hg19) VCF-style: chr2-48033615-G-A.
Other names: c.3436G>A, p.Glu1146Lys (NM_001281492.2); c.2920G>A, p.Glu974Lys (NM_001281493.2, NM_001281494.2, NM_001406811.1 and 6 more transcripts); c.3922G>A, p.Glu1308Lys (NM_001406795.1); c.3826G>A, p.Glu1276Lys (NM_001406796.1, NM_001406808.1, NM_001406809.1); c.3529G>A, p.Glu1177Lys (NM_001406797.1, NM_001406818.1, NM_001406819.1 and 10 more transcripts); c.3652G>A, p.Glu1218Lys (NM_001406798.1); c.3832G>A, p.Glu1278Lys (NM_001406813.1); c.2260G>A, p.Glu754Lys (NM_001406817.1); and 8 more; short protein forms E1146K, E1220K, E1276K, E225K, E974K, E988K, E1218K, E1250K.
Identifiers: ClinVar variation 1735305 (VCV001735305.3), dbSNP rs2104552999, ClinGen allele CA346761261.
Genomic context (GRCh38, chr2:47,806,476, plus strand): 5'-CTAGCACATGTATCGCTAATATTTTTCTTTCTTAAGGCATGCATGGTAGAAAATGAATGT[G>A]AAGACCCCAGCCAGGAGACTATTACGTTCCTCTATAAATTCATTAAGGGAGCTTGTCCTA-3'
Protein context (NP_000170.1, residues 1266-1286): HMACMVENEC[Glu1276Lys]DPSQETITFL

ClinVar aggregate classification (germline): Uncertain significance (1 of 4 stars; one submission).

Conditions:
Hereditary cancer-predisposing syndrome. Also called: Neoplastic Syndromes, Hereditary; Tumor predisposition; Hereditary Cancer Syndrome; Hereditary neoplastic syndrome. Identifiers: Orphanet 140162, MedGen C0027672, MeSH D009386, MONDO:0015356.

Allele frequency attached by ClinVar (database versions not stated): gnomAD exomes below 0.00001.
gnomAD v4.1: 1 of 1,614,066 alleles (0.000062%); highest among the groups gnomAD compares: Non-Finnish European, 0.000085%; no homozygotes.

Submission:

Ambry Genetics
Classification: Uncertain significance for Hereditary cancer-predisposing syndrome. Last evaluated: 2026-05-22. Review status: criteria provided, single submitter. Criteria: Ambry Variant Classification Scheme 2023. Collection method: clinical testing. Allele origin: germline.
Comment: The p.E1276K variant (also known as c.3826G>A), located in coding exon 9 of the MSH6 gene, results from a G to A substitution at nucleotide position 3826. The glutamic acid at codon 1276 is replaced by lysine, an amino acid with similar properties. This amino acid position is well conserved in available vertebrate species. In addition, this alteration is predicted to be deleterious by in silico analysis. Since supporting evidence is limited at this time, the clinical significance of this alteration remains unclear.